The following is an entry in ClinVar:

ClinVar aggregate classification (germline): Likely benign. Review status: criteria provided, single submitter (1 of 4 stars). 2 submissions from 2 submitters: Likely benign (1). 1 of the submissions does not count toward it. Last evaluated 2024-06-26.

Conditions:
CHD4-related disorder. Also called: CHD4-related condition.

Allele frequency attached by ClinVar (database versions not stated): ExAC 0.00001; gnomAD exomes 0.00001; gnomAD 0.00003; TOPMed 0.00005.
gnomAD v4.1: 14 of 1,613,352 alleles (0.00087%); highest among the groups gnomAD compares: African/African-American, 0.015%; no homozygotes.

Submissions (2):

Labcorp Genetics (formerly Invitae), Labcorp
Classification: Likely benign. Last evaluated: 2024-06-26. Review status: criteria provided, single submitter. Criteria: Invitae Variant Classification Sherloc (09022015). Collection method: clinical testing. Allele origin: germline.

PreventionGenetics, part of Exact Sciences
Classification: Likely benign for CHD4-related condition. Last evaluated: 2022-08-01. Review status: no assertion criteria provided. Collection method: clinical testing. Allele origin: germline. Not counted in ClinVar's aggregate classification.
Comment: This variant is classified as likely benign based on ACMG/AMP sequence variant interpretation guidelines (Richards et al. 2015 PMID: 25741868, with internal and published modifications).

NM_001273.5(CHD4):c.5558-9C>T

Genes: CHD4 (chromodomain helicase DNA binding protein 4; minus strand), CHD4-AS1 (CHD4 antisense RNA 1; plus strand). Cytogenetic location: 12p13.31.
Variant type: single nucleotide variant.
Coding change: c.5558-9C>T on transcript NM_001273.5 (MANE Select); 9 bases into the intron before coding-DNA position 5558, C replaced by T.
Molecular consequence: intron variant.
Genome position (GRCh38, 1-based): chr12:6,571,041, G>A on the plus strand (C>T on the coding strand, the complement: CHD4 is on the minus strand). VCF-style: chr12-6571041-G-A. GRCh37 (hg19) VCF-style: chr12-6680207-G-A.
Other names: c.5528-9C>T (NM_001363606.2); c.5537-9C>T (NM_001297553.2).
Identifiers: ClinVar variation 3030743 (VCV003030743.4), dbSNP rs780524514, ClinGen allele CA6411179.